The following is an entry in ClinVar:

ClinVar aggregate classification (germline): Uncertain significance. Review status: criteria provided, multiple submitters, no conflicts (2 of 4 stars). 3 submissions from 3 submitters: Uncertain significance (3). Last evaluated 2026-01-19.

Conditions:
Inborn genetic diseases. Identifiers: MedGen C0950123, MeSH D030342.

Allele frequency attached by ClinVar (database versions not stated): ExAC 0.00001.
gnomAD v4.1: 60 of 1,613,110 alleles (0.0037%); highest among the groups gnomAD compares: Non-Finnish European, 0.0046%; no homozygotes.

Submissions (3):

Labcorp Genetics (formerly Invitae), Labcorp
Classification: Uncertain significance. Last evaluated: 2026-01-19. Review status: criteria provided, single submitter. Criteria: Invitae Variant Classification Sherloc (09022015). Collection method: clinical testing. Allele origin: germline.
Comment: This sequence change replaces histidine, which is basic and polar, with arginine, which is basic and polar, at codon 872 of the WFS1 protein (p.His872Arg). This variant is present in population databases (rs751835613, gnomAD 0.005%). This variant has not been reported in the literature in individuals affected with WFS1-related conditions. ClinVar contains an entry for this variant (Variation ID: 1392802). Invitae Evidence Modeling of protein sequence and biophysical properties (such as structural, functional, and spatial information, amino acid conservation, physicochemical variation, residue mobility, and thermodynamic stability) indicates that this missense variant is not expected to disrupt WFS1 protein function with a negative predictive value of 95%. In summary, the available evidence is currently insufficient to determine the role of this variant in disease. Therefore, it has been classified as a Variant of Uncertain Significance.

Women's Health and Genetics/Laboratory Corporation of America, LabCorp
Classification: Uncertain significance. Last evaluated: 2025-02-25. Review status: criteria provided, single submitter. Criteria: LabCorp Variant Classification Summary - May 2015. Collection method: clinical testing. Allele origin: germline.
Comment: Variant summary: WFS1 c.2615A>G (p.His872Arg) results in a non-conservative amino acid change located in the Wolframin C-terminal OB-fold domain (IPR045461) of the encoded protein sequence. Three of five in-silico tools predict a benign effect of the variant on protein function. The variant allele was found at a frequency of 2e-05 in 250248 control chromosomes. The available data on variant occurrences in the general population are insufficient to allow any conclusion about variant significance. To our knowledge, no occurrence of c.2615A>G in individuals affected with Wolfram Syndrome 1 and no experimental evidence demonstrating its impact on protein function have been reported. ClinVar contains an entry for this variant (Variation ID: 1392802). Based on the evidence outlined above, the variant was classified as uncertain significance.

Ambry Genetics
Classification: Uncertain significance for Inborn genetic diseases. Last evaluated: 2022-01-31. Review status: criteria provided, single submitter. Criteria: Ambry Variant Classification Scheme 2023. Collection method: clinical testing. Allele origin: germline.

NM_006005.3(WFS1):c.2615A>G (p.His872Arg)

Gene: WFS1 (wolframin ER transmembrane glycoprotein; plus strand). Cytogenetic location: 4p16.1.
Variant type: single nucleotide variant.
Coding change: c.2615A>G on transcript NM_006005.3 (MANE Select); coding-DNA position 2615, A replaced by G.
Protein change: p.His872Arg; replaces histidine 872 with arginine.
Molecular consequence: missense variant.
Genome position (GRCh38, 1-based): chr4:6,302,410, A>G. VCF-style: chr4-6302410-A-G. GRCh37 (hg19) VCF-style: chr4-6304137-A-G.
Other names: c.2615A>G, p.His872Arg (NM_001145853.1); short protein forms H872R.
Identifiers: ClinVar variation 1392802 (VCV001392802.8), dbSNP rs751835613, ClinGen allele CA2839805.